The following is an entry in ClinVar:

ClinVar aggregate classification (germline): Pathogenic (1 of 4 stars; one submission).

Conditions:
Monogenic hearing loss.

Submission:

North West Genomic Laboratory Hub, Manchester University NHS Foundation Trust
Classification: Pathogenic for Monogenic hearing loss. Last evaluated: 2024-12-04. Review status: criteria provided, single submitter. Criteria: ACGS Best Practice Guidelines for Variant Classification in Rare Disease 2024. Collection method: clinical testing. Allele origin: germline. Affected: yes.
Comment: PVS1_VStr PM2_Mod

NM_001145026.2(PTPRQ):c.4584G>A (p.Trp1528Ter)

Gene: PTPRQ (protein tyrosine phosphatase receptor type Q; plus strand). Cytogenetic location: 12q21.31.
Variant type: single nucleotide variant.
Coding change: c.4584G>A on transcript NM_001145026.2 (MANE Select); coding-DNA position 4584, G replaced by A.
Protein change: p.Trp1528Ter; replaces tryptophan 1528 with a stop codon.
Molecular consequence: nonsense.
Genome position (GRCh38, 1-based): chr12:80,588,427, G>A. VCF-style: chr12-80588427-G-A. GRCh37 (hg19) VCF-style: chr12-80982206-G-A.
Other names: short protein forms W1528*.
Identifiers: ClinVar variation 4887052 (VCV004887052.1).
Genomic context (GRCh38, chr12:80,588,427, plus strand): 5'-ATGGTATAGATTCCAAGTGGCTGCCAGCACCAATGCTGGCTATGGCAATGCTTCAAACTG[G>A]ATTTCTACAAAAACTCTGCCTGGCCGTGAGTATTGTCCTGACATGTACATACTGATTTCT-3'